The following is an entry in ClinVar:

NM_000193.4(SHH):c.905G>A (p.Arg302Gln)

Gene: SHH (sonic hedgehog signaling molecule; minus strand). Cytogenetic location: 7q36.3.
Variant type: single nucleotide variant.
Coding change: c.905G>A on transcript NM_000193.4 (MANE Select); coding-DNA position 905, G replaced by A.
Protein change: p.Arg302Gln; replaces arginine 302 with glutamine.
Molecular consequence: missense variant. On other transcripts: intron variant (1).
Genome position (GRCh38, 1-based): chr7:155,803,384, C>T on the plus strand (G>A on the coding strand, the complement: SHH is on the minus strand). VCF-style: chr7-155803384-C-T. GRCh37 (hg19) VCF-style: chr7-155596078-C-T.
Other names: c.301+2912G>A (NM_001310462.2); short protein forms R302Q.
Identifiers: ClinVar variation 2880605 (VCV002880605.3), dbSNP rs1302309857, ClinGen allele CA370145749.
Genomic context (GRCh38, chr7:155,803,384, plus strand): 5'-TCACGCTCGGCCACCACGTACACGCGCTGGCCCGGGCGCACGCGGCTGGCGAACAGCGCC[C>T]GAGGCCCCAGTGCGCCCCCGGAAGGCGGCCCCGAGCCCGAGGACGCCTCGGGCTCCCCGG-3'
Protein context (NP_000184.1, residues 292-312): GPPSGGALGP[Arg302Gln]ALFASRVRPG

ClinVar aggregate classification (germline): Uncertain significance (1 of 4 stars; one submission).

Conditions:
Holoprosencephaly 3 (HPE3). Identifiers: Orphanet 2162, MedGen C1840529, MONDO:0007733, OMIM 142945.

Allele frequency attached by ClinVar (database versions not stated): gnomAD exomes below 0.00001; gnomAD 0.00001.
gnomAD v4.1: 2 of 1,486,196 alleles (0.00013%); highest among the groups gnomAD compares: Non-Finnish European, 0.000089%; no homozygotes.

Submission:

Labcorp Genetics (formerly Invitae), Labcorp
Classification: Uncertain significance for Holoprosencephaly 3. Last evaluated: 2023-03-14. Review status: criteria provided, single submitter. Criteria: Invitae Variant Classification Sherloc (09022015). Collection method: clinical testing. Allele origin: germline.
Comment: In summary, the available evidence is currently insufficient to determine the role of this variant in disease. Therefore, it has been classified as a Variant of Uncertain Significance. Advanced modeling of protein sequence and biophysical properties (such as structural, functional, and spatial information, amino acid conservation, physicochemical variation, residue mobility, and thermodynamic stability) performed at Invitae indicates that this missense variant is not expected to disrupt SHH protein function. This variant has not been reported in the literature in individuals affected with SHH-related conditions. This variant is not present in population databases (gnomAD no frequency). This sequence change replaces arginine, which is basic and polar, with glutamine, which is neutral and polar, at codon 302 of the SHH protein (p.Arg302Gln).